The following is an entry in ClinVar:

NM_003742.4(ABCB11):c.2542G>A (p.Asp848Asn)

Gene: ABCB11 (ATP binding cassette subfamily B member 11; minus strand). Cytogenetic location: 2q31.1.
Variant type: single nucleotide variant.
Coding change: c.2542G>A on transcript NM_003742.4 (MANE Select); coding-DNA position 2542, G replaced by A.
Protein change: p.Asp848Asn; replaces aspartic acid 848 with asparagine.
Molecular consequence: missense variant.
Genome position (GRCh38, 1-based): chr2:168,944,673, C>T on the plus strand (G>A on the coding strand, the complement: ABCB11 is on the minus strand). VCF-style: chr2-168944673-C-T. GRCh37 (hg19) VCF-style: chr2-169801183-C-T.
Other names: short protein forms D848N.
Identifiers: ClinVar variation 4845977 (VCV004845977.1).

ClinVar aggregate classification (germline): Uncertain significance (1 of 4 stars; one submission).

Conditions:
Familial intrahepatic cholestasis. Identifiers: Orphanet 284385, MedGen CN296401, MONDO:0017290.

Submission:

Genomenon, Inc
Classification: Uncertain significance for Familial intrahepatic cholestasis. Last evaluated: 2026-04-14. Review status: criteria provided, single submitter. Criteria: Genomenon Sequence Variant Interpretation Standards - Updated. Collection method: curation. Allele origin: germline. Affected: yes.
Comment: ABCB11 p.Asp848Asn (c.2542G>A) is a missense variant that changes the amino acid at residue 848 from Aspartic acid to Asparagine. This variant has been observed in at least one proband with an ABCB11-related disorder (PMID:27050426). It is absent or not present at a significant frequency in gnomAD. In silico models predict that this variant is possibly or probably damaging. In conclusion, we classify ABCB11 p.Asp848Asn (c.2542G>A) as a variant of uncertain significance.

Literature cited by the submitters: PubMed 27050426.